The following is an entry in ClinVar:

NM_003640.5(ELP1):c.697dup (p.Thr233fs)

Gene: ELP1 (elongator acetyltransferase complex subunit 1; minus strand). Cytogenetic location: 9q31.3.
Variant type: Duplication.
Coding change: c.697dup on transcript NM_003640.5 (MANE Select); coding-DNA position 697, one base duplicated (A; older notation c.697dupA).
Protein change: p.Thr233fs; shifts the reading frame from threonine 233.
Molecular consequence: frameshift variant. On other transcripts: intron variant (1).
Genome position (GRCh38, 1-based): chr9:108,918,854, T duplicated on the plus strand (A on the coding strand, the reverse complement: ELP1 is on the minus strand); the first of 2 consecutive T bases (chr9:108,918,854-108,918,855); duplicating either gives the same sequence. VCF-style (leftmost placement, unchanged base first): chr9-108918853-G-GT. GRCh37 (hg19) VCF-style: chr9-111681133-G-GT.
Other names: c.697dupA (NM_003640.4); c.355dup, p.Thr119fs (NM_001318360.2); c.-307-1184dup (NM_001330749.2); short protein forms T233fs, T119fs.
Identifiers: ClinVar variation 2122903 (VCV002122903.6), dbSNP rs2537942364, ClinGen allele CA2580079514.
Genomic context (GRCh38, chr9:108,918,853, plus strand): 5'-GTTTCTTCTCCCACTCACTTCCAAGCCAGGGCTGGTCCCAGTCCTGCCACAGGCTCACTG[G>GT]TTGACTGCAAAGCAAACTCTCGGTTCCACACTCTGACCTTCCGAGCCCCTGTGCGGGAGT-3'

ClinVar aggregate classification (germline): Pathogenic/Likely pathogenic. Review status: criteria provided, multiple submitters, no conflicts (2 of 4 stars). 3 submissions from 3 submitters: Pathogenic (1); Likely pathogenic (2). Last evaluated 2026-02-02.

Conditions:
ELP1-Associated Medulloblastoma. Identifiers: MedGen C5670652.
Familial dysautonomia. Also called: FD; HSAN III. Identifiers: Orphanet 1764, MedGen C0013364, MONDO:0009131, OMIM 223900. Disease mechanism: loss of function.

Submissions (3):

Labcorp Genetics (formerly Invitae), Labcorp
Classification: Pathogenic. Last evaluated: 2026-02-02. Review status: criteria provided, single submitter. Criteria: Invitae Variant Classification Sherloc (09022015). Collection method: clinical testing. Allele origin: germline.
Comment: This sequence change creates a premature translational stop signal (p.Thr233Asnfs*3) in the ELP1 gene. It is expected to result in an absent or disrupted protein product. Loss-of-function variants in ELP1 are known to be pathogenic (PMID: 18303054, 24173031). This variant is not present in population databases (gnomAD no frequency). This variant has not been reported in the literature in individuals affected with ELP1-related conditions. ClinVar contains an entry for this variant (Variation ID: 2122903). Algorithms developed to predict the effect of sequence changes on RNA splicing suggest that this variant may disrupt the consensus splice site. For these reasons, this variant has been classified as Pathogenic.

Natera, Inc.
Classification: Likely pathogenic for Familial dysautonomia. Last evaluated: 2024-09-30. Review status: criteria provided, single submitter. Criteria: Natera Variant Classification Schema (03/2026). Collection method: clinical testing. Allele origin: germline.
Comment: The c.697dupA variant in ELP1 is a frameshift variant predicted to shift the reading frame beginning at codon 233 and leads to a stop codon 3 codons downstream. This variant is expected to result in nonsense mediated decay, truncation, or a dysfunctional protein product. This variant is rare in the general population with a frequency below the threshold expected for the associated phenotype(s). Given the available evidence, this variant is classified as Likely Pathogenic.

Institute for Genomic Medicine (IGM) Clinical Laboratory, Nationwide Children's Hospital
Classification: Likely pathogenic for ELP1-Associated Medulloblastoma. Last evaluated: 2024-09-10. Review status: criteria provided, single submitter. Criteria: ACMG Guidelines, 2015. Collection method: clinical testing. Allele origin: germline.
Comment: This variant is predicted to result in loss of function through nonsense-mediated decay of the encoded transcript or premature truncation of the encoded protein in a gene in which loss of function is a known mechanism of disease (ACMG/AMP: PVS1; PMIDs:32296180, 34687117). This variant is absent from or present at an exceedingly low frequency in gnomAD, a large-scale control population database (ACMG/AMP: PM2).

Literature cited by the submitters: PubMed 18303054 (cited by Labcorp Genetics (formerly Invitae), Labcorp); PubMed 24173031 (cited by Labcorp Genetics (formerly Invitae), Labcorp); PubMed 32296180 (cited by Institute for Genomic Medicine (IGM) Clinical Laboratory, Nationwide Children's Hospital); PubMed 34687117 (cited by Institute for Genomic Medicine (IGM) Clinical Laboratory, Nationwide Children's Hospital).